The following is an entry in ClinVar:

NM_001843.4(CNTN1):c.62del (p.Glu21fs)

Gene: CNTN1 (contactin 1; plus strand). Cytogenetic location: 12q12.
Variant type: Deletion.
Coding change: c.62del on transcript NM_001843.4 (MANE Select); coding-DNA position 62, one base deleted (A; older notation c.62delA).
Protein change: p.Glu21fs; shifts the reading frame from glutamic acid 21.
Molecular consequence: frameshift variant. On other transcripts: intron variant (1).
Genome position (GRCh38, 1-based): chr12:40,910,073, A deleted. VCF-style (leftmost placement, unchanged base first): chr12-40910072-GA-G. GRCh37 (hg19) VCF-style: chr12-41303874-GA-G.
Other names: c.62del, p.Glu21fs (NM_001256063.2, NM_001256064.2); c.61+1580del (NM_175038.2); short protein forms E21fs.
Identifiers: ClinVar variation 1432053 (VCV001432053.6), dbSNP rs2136817458, ClinGen allele CA2573148759.

ClinVar aggregate classification (germline): Pathogenic (1 of 4 stars; one submission).

Conditions:
Compton-North congenital myopathy (CMYO12). Identifiers: Orphanet 210163, MedGen C2675527, MONDO:0012929, OMIM 612540.

Submission:

Labcorp Genetics (formerly Invitae), Labcorp
Classification: Pathogenic for Compton-North congenital myopathy. Last evaluated: 2021-04-04. Review status: criteria provided, single submitter. Criteria: Invitae Variant Classification Sherloc (09022015). Collection method: clinical testing. Allele origin: germline.
Comment: This sequence change creates a premature translational stop signal (p.Glu21Glyfs*59) in the CNTN1 gene. It is expected to result in an absent or disrupted protein product. Loss-of-function variants in CNTN1 are known to be pathogenic (PMID: 19026398, 22242131). This variant is not present in population databases (ExAC no frequency). This variant has not been reported in the literature in individuals with CNTN1-related conditions. Algorithms developed to predict the effect of sequence changes on RNA splicing suggest that this variant may create or strengthen a splice site, but this prediction has not been confirmed by published transcriptional studies. For these reasons, this variant has been classified as Pathogenic.

Literature cited by the submitters: PubMed 19026398; PubMed 22242131.